The following is an entry in ClinVar:

ClinVar aggregate classification (germline): Uncertain significance (1 of 4 stars; one submission).

Conditions:
Brugada syndrome. Also called: Sudden unexplained nocturnal death syndrome; Sudden Unexplained Death Syndrome; Sudden Unexplained Nocturnal Death Syndrome (SUNDS); Sudden unexpected nocturnal death syndrome. Identifiers: Orphanet 130, MedGen C1142166, MONDO:0015263.

Allele frequency attached by ClinVar (database versions not stated): ExAC 0.00001; gnomAD exomes 0.00001 and 0.00002; TOPMed 0.00002; gnomAD 0.00003 and 0.00004.
gnomAD v4.1: 20 of 1,613,620 alleles (0.0012%); highest among the groups gnomAD compares: Non-Finnish European, 0.0016%; no homozygotes.

Submission:

Labcorp Genetics (formerly Invitae), Labcorp
Classification: Uncertain significance for Brugada syndrome. Last evaluated: 2025-06-29. Review status: criteria provided, single submitter. Criteria: Invitae Variant Classification Sherloc (09022015). Collection method: clinical testing. Allele origin: germline.
Comment: This sequence change replaces glutamic acid, which is acidic and polar, with glutamine, which is neutral and polar, at codon 777 of the SLMAP protein (p.Glu777Gln). This variant is present in population databases (rs751083292, gnomAD 0.004%). This variant has not been reported in the literature in individuals affected with SLMAP-related conditions. ClinVar contains an entry for this variant (Variation ID: 532061). An algorithm developed to predict the effect of missense changes on protein structure and function (PolyPhen-2) suggests that this variant is likely to be tolerated. In summary, the available evidence is currently insufficient to determine the role of this variant in disease. Therefore, it has been classified as a Variant of Uncertain Significance.

NM_001377540.1(SLMAP):c.2431G>C (p.Glu811Gln)

Gene: SLMAP (sarcolemma associated protein; plus strand). Cytogenetic location: 3p14.3.
Variant type: single nucleotide variant.
Coding change: c.2431G>C on transcript NM_001377540.1 (MANE Select); coding-DNA position 2431, G replaced by C.
Protein change: p.Glu811Gln; replaces glutamic acid 811 with glutamine.
Molecular consequence: missense variant. On other transcripts: non-coding transcript variant (1).
Genome position (GRCh38, 1-based): chr3:57,923,009, G>C. VCF-style: chr3-57923009-G-C. GRCh37 (hg19) VCF-style: chr3-57908736-G-C.
Other names: c.2380G>C, p.Glu794Gln (NM_001304420.3, NM_001377541.1, NM_001377542.1); c.2266G>C, p.Glu756Gln (NM_001304421.2, NM_001377557.1, NM_001377559.1); c.982G>C, p.Glu328Gln (NM_001304422.3, NM_001311178.2); c.784G>C, p.Glu262Gln (NM_001304423.3); c.2452G>C, p.Glu818Gln (NM_001377538.1); c.2431G>C, p.Glu811Gln (NM_001377539.1); c.2368G>C, p.Glu790Gln (NM_001377545.1); c.2329G>C, p.Glu777Gln (NM_001377549.1, NM_007159.5); and 8 more; short protein forms E777Q, E262Q, E328Q, E794Q, E756Q, E287Q, E715Q, E732Q.
Identifiers: ClinVar variation 532061 (VCV000532061.6), dbSNP rs751083292, ClinGen allele CA2467375.
Genomic context (GRCh38, chr3:57,923,009, plus strand): 5'-GAAAAGCAGTCAATCACAGATGAGCTCAAACAGTGTAAAAACAACCTGAAGCTGCTCCGA[G>C]AGAAAGGAAATAATGTAAGTCTTTGCAAACTTGGCTTAGCTTTGATTGAGAGGCACATGA-3'
Protein context (NP_001364469.1, residues 801-821): QCKNNLKLLR[Glu811Gln]KGNNPSILQP